The following is an entry in ClinVar:

ClinVar aggregate classification (germline): Uncertain significance. Review status: criteria provided, multiple submitters, no conflicts (2 of 4 stars). 2 submissions from 2 submitters: Uncertain significance (2). Last evaluated 2024-12-25.

Conditions:
Hearing loss, autosomal dominant 37. Also called: DEAFNESS, AUTOSOMAL DOMINANT 37. Identifiers: MedGen C4760307, MONDO:0032802, OMIM 618533.

gnomAD v4.1: 1 of 1,612,630 alleles (0.000062%); highest among the groups gnomAD compares: Non-Finnish European, 0.000085%; no homozygotes.

Submissions (2):

Laboratory of Prof. Karen Avraham, Tel Aviv University
Classification: Uncertain significance for Hearing loss, autosomal dominant 37. Last evaluated: 2024-12-25. Review status: criteria provided, single submitter. Criteria: ACMG Guidelines, 2015. Collection method: research. Allele origin: germline. Affected: yes. Observed: 1 variant allele.
Comment: The COL11A1 c.347T>C:p.(Leu116Ser) is not found in gnomAD and predicted deleterious.

Institute of Human Genetics, University of Goettingen
Classification: Uncertain significance for Hearing loss, autosomal dominant 37. Last evaluated: 2024-11-11. Review status: criteria provided, single submitter. Criteria: ACMG Guidelines, 2015. Collection method: clinical testing. Allele origin: unknown. Inheritance: Autosomal dominant inheritance. Affected: yes. Observed: 1 heterozygote.
Comment: The variant c.347T>C (p.(Leu116Sers)) in exon 3 of the COL11A1-gene is found once in the gnomAD (v4.1.0) database, it affects a highly conserved nucleotide, and a highly conserved amino acid and there is a Large physicochemical difference between Leu and Ser. This variant has a pathogenic computational verdict, based on in silico prediction algorithms. ACMG criteria used for classification: PM2_sup, PP3.

NM_001854.4(COL11A1):c.347T>C (p.Leu116Ser)

Gene: COL11A1 (collagen type XI alpha 1 chain; minus strand). Cytogenetic location: 1p21.1.
Variant type: single nucleotide variant.
Coding change: c.347T>C on transcript NM_001854.4 (MANE Select); coding-DNA position 347, T replaced by C.
Protein change: p.Leu116Ser; replaces leucine 116 with serine.
Molecular consequence: missense variant. On other transcripts: non-coding transcript variant (1).
Genome position (GRCh38, 1-based): chr1:103,078,799, A>G on the plus strand (T>C on the coding strand, the complement: COL11A1 is on the minus strand). VCF-style: chr1-103078799-A-G. GRCh37 (hg19) VCF-style: chr1-103544355-A-G.
Other names: DFNA37; c.347T>C, p.Leu116Ser (NM_001190709.2, NM_080629.3, NM_080630.4); short protein forms L116S.
Identifiers: ClinVar variation 3393320 (VCV003393320.1).